The following is an entry in ClinVar:

NM_001134673.4(NFIA):c.442G>T (p.Glu148Ter)

Gene: NFIA (nuclear factor I A; plus strand). Cytogenetic location: 1p31.3.
Variant type: single nucleotide variant.
Coding change: c.442G>T on transcript NM_001134673.4 (MANE Select); coding-DNA position 442, G replaced by T.
Protein change: p.Glu148Ter; replaces glutamic acid 148 with a stop codon.
Molecular consequence: nonsense.
Genome position (GRCh38, 1-based): chr1:61,088,563, G>T. VCF-style: chr1-61088563-G-T. GRCh37 (hg19) VCF-style: chr1-61554235-G-T.
Other names: c.418G>T, p.Glu140Ter (NM_001145511.2); c.577G>T, p.Glu193Ter (NM_001145512.2); c.442G>T, p.Glu148Ter (NM_005595.5); short protein forms E140*, E148*, E193*.
Identifiers: ClinVar variation 1526139 (VCV001526139.1), dbSNP rs2100414767, ClinGen allele CA340587060.

ClinVar aggregate classification (germline): Likely pathogenic (1 of 4 stars; one submission).

Conditions:
Chromosome 1p32-p31 deletion syndrome. Identifiers: Orphanet 401986, MedGen C4707828, MONDO:0013396.

Submission:

3billion
Classification: Likely pathogenic for Brain malformations with or without urinary tract defects. Last evaluated: 2022-03-22. Review status: criteria provided, single submitter. Criteria: ACMG Guidelines, 2015. Collection method: clinical testing. Allele origin: germline. Affected: yes. Observed: 1 heterozygote.
Comment: Stop-gained (nonsense): predicted to result in a loss or disruption of normal protein function through nonsense-mediated decay (NMD) or protein truncation. Multiple pathogenic variants are reported downstream of the variant.It is not observed in the gnomAD v2.1.1 dataset. Therefore, this variant is classified as likely pathogenic according to the recommendation of ACMG/AMP guideline.